The following is an entry in ClinVar:

NM_004100.5(EYA4):c.723A>G (p.Pro241=)

Gene: EYA4 (EYA transcriptional coactivator and phosphatase 4; plus strand). Cytogenetic location: 6q23.2.
Variant type: single nucleotide variant.
Coding change: c.723A>G on transcript NM_004100.5 (MANE Select); coding-DNA position 723, A replaced by G.
Protein change: p.Pro241=; no amino-acid change (proline 241 retained).
Molecular consequence: synonymous variant.
Genome position (GRCh38, 1-based): chr6:133,462,763, A>G. VCF-style: chr6-133462763-A-G. GRCh37 (hg19) VCF-style: chr6-133783901-A-G.
Other names: c.561A>G, p.Pro187= (NM_001301012.2, NM_001370459.1); c.723A>G, p.Pro241= (NM_001301013.2, NM_172105.4); c.654A>G, p.Pro218= (NM_001370458.1, NM_172103.4).
Identifiers: ClinVar variation 228682 (VCV000228682.11), dbSNP rs556550485, ClinGen allele CA10576682.

ClinVar aggregate classification (germline): Conflicting classifications of pathogenicity. Review status: criteria provided, conflicting classifications (1 of 4 stars). 4 submissions from 4 submitters: Uncertain significance (2); Likely benign (1). 1 of the submissions does not count toward it. Last evaluated 2025-07-08.

Conditions:
Cardiovascular phenotype. Identifiers: MedGen CN230736.
Dilated cardiomyopathy 1J (CMD1J). Also called: CARDIOMYOPATHY, DILATED, WITH SENSORINEURAL HEARING LOSS, AUTOSOMAL DOMINANT. Identifiers: Orphanet 217622, MedGen C1854368, MONDO:0011541, OMIM 605362.
EYA4-related disorder. Also called: EYA4-related condition; EYA4-related disorders. Identifiers: MedGen CN239388.

Allele frequency attached by ClinVar (database versions not stated): gnomAD exomes below 0.00001 and 0.00001; gnomAD 0.00001; TOPMed 0.00001.
gnomAD v4.1: 22 of 1,613,614 alleles (0.0014%); highest among the groups gnomAD compares: Middle Eastern, 0.13%; no homozygotes.

Submissions (4):

Labcorp Genetics (formerly Invitae), Labcorp
Classification: Uncertain significance for Dilated cardiomyopathy 1J. Last evaluated: 2025-07-08. Review status: criteria provided, single submitter. Criteria: Invitae Variant Classification Sherloc (09022015). Collection method: clinical testing. Allele origin: germline.
Comment: This sequence change affects codon 241 of the EYA4 mRNA. It is a 'silent' change, meaning that it does not change the encoded amino acid sequence of the EYA4 protein. It affects a nucleotide within the consensus splice site. This variant is present in population databases (rs556550485, gnomAD 0.007%). This variant has not been reported in the literature in individuals affected with EYA4-related conditions. ClinVar contains an entry for this variant (Variation ID: 228682). Algorithms developed to predict the effect of sequence changes on RNA splicing suggest that this variant is not likely to affect RNA splicing. In summary, the available evidence is currently insufficient to determine the role of this variant in disease. Therefore, it has been classified as a Variant of Uncertain Significance.

Ambry Genetics
Classification: Likely benign for Cardiovascular phenotype. Last evaluated: 2020-01-28. Review status: criteria provided, single submitter. Criteria: Ambry Variant Classification Scheme 2023. Collection method: clinical testing. Allele origin: germline.

Laboratory for Molecular Medicine, Mass General Brigham Personalized Medicine
Classification: Uncertain significance. Last evaluated: 2015-11-19. Review status: criteria provided, single submitter. Criteria: LMM Criteria. Collection method: clinical testing. Allele origin: germline. Observed: 1 variant allele.
Comment: Variant classified as Uncertain Significance - Favor Benign. The c.723A>G (p.Pro 241Pro) variant in EYA4 has not been previously reported in individuals with hea ring loss and was absent from large population studies. This variant is located in the last two bases of the exon, which is part of the 3? splice region. Comput ational tools do not predict altered splicing, and four species (rhesus, crab-ea ting macaque, baboon, green monkey) have guanine (G) at this nucleotide position . However, this information is not predictive enough to rule out pathogenicity. In summary, while the clinical significance of the c.723A>G variant is uncertai n, the computational and conservation data suggests it is more likely to be beni gn.

PreventionGenetics, part of Exact Sciences
Classification: Likely benign for EYA4-related condition. Last evaluated: 2019-10-29. Review status: no assertion criteria provided. Collection method: clinical testing. Allele origin: germline. Not counted in ClinVar's aggregate classification.
Comment: This variant is classified as likely benign based on ACMG/AMP sequence variant interpretation guidelines (Richards et al. 2015 PMID: 25741868, with internal and published modifications).